The following is an entry in ClinVar:

NM_152564.5(VPS13B):c.10604A>G (p.His3535Arg)

Gene: VPS13B (vacuolar protein sorting 13 homolog B; plus strand). Cytogenetic location: 8q22.2.
Variant type: single nucleotide variant.
Coding change: c.10604A>G on transcript NM_152564.5 (MANE Select); coding-DNA position 10604, A replaced by G.
Protein change: p.His3535Arg; replaces histidine 3535 with arginine.
Molecular consequence: missense variant.
Genome position (GRCh38, 1-based): chr8:99,853,993, A>G. VCF-style: chr8-99853993-A-G. GRCh37 (hg19) VCF-style: chr8-100866221-A-G.
Other names: c.10679A>G, p.His3560Arg (NM_017890.5); short protein forms H3535R, H3560R.
Identifiers: ClinVar variation 3673675 (VCV003673675.2).

ClinVar aggregate classification (germline): Uncertain significance (1 of 4 stars; one submission).

Conditions:
Cohen syndrome (COH1). Also called: PEPPER SYNDROME; Cutis verticis gyrata, retinitis pigmentosa, and sensorineural deafness. Identifiers: Orphanet 193, MedGen C0265223, MONDO:0008999, OMIM 216550.

gnomAD v4.1: 1 of 1,614,046 alleles (0.000062%); highest among the groups gnomAD compares: Non-Finnish European, 0.000085%; no homozygotes.

Submission:

Labcorp Genetics (formerly Invitae), Labcorp
Classification: Uncertain significance for Cohen syndrome. Last evaluated: 2024-03-22. Review status: criteria provided, single submitter. Criteria: Invitae Variant Classification Sherloc (09022015). Collection method: clinical testing. Allele origin: germline.
Comment: This sequence change replaces histidine, which is basic and polar, with arginine, which is basic and polar, at codon 3560 of the VPS13B protein (p.His3560Arg). This variant is not present in population databases (gnomAD no frequency). This variant has not been reported in the literature in individuals affected with VPS13B-related conditions. Advanced modeling of protein sequence and biophysical properties (such as structural, functional, and spatial information, amino acid conservation, physicochemical variation, residue mobility, and thermodynamic stability) performed at Invitae indicates that this missense variant is not expected to disrupt VPS13B protein function with a negative predictive value of 80%. In summary, the available evidence is currently insufficient to determine the role of this variant in disease. Therefore, it has been classified as a Variant of Uncertain Significance.